The following is an entry in ClinVar:

NM_001080517.3(SETD5):c.4295G>T (p.Gly1432Val)

Gene: SETD5 (SET domain containing 5; plus strand). Cytogenetic location: 3p25.3.
Variant type: single nucleotide variant.
Coding change: c.4295G>T on transcript NM_001080517.3 (MANE Select); coding-DNA position 4295, G replaced by T.
Protein change: p.Gly1432Val; replaces glycine 1432 with valine.
Molecular consequence: missense variant.
Genome position (GRCh38, 1-based): chr3:9,476,057, G>T. VCF-style: chr3-9476057-G-T. GRCh37 (hg19) VCF-style: chr3-9517741-G-T.
Other names: c.4001G>T, p.Gly1334Val (NM_001292043.2, NM_001349451.2); c.4391G>T, p.Gly1464Val (NM_001437633.1); c.4409G>T, p.Gly1470Val (NM_001437635.1); c.4352G>T, p.Gly1451Val (NM_001437643.1); c.4334G>T, p.Gly1445Val (NM_001437701.1); short protein forms G1334V, G1451V, G1470V, G1445V, G1464V, G1432V.
Identifiers: ClinVar variation 4751786 (VCV004751786.1).

ClinVar aggregate classification (germline): Uncertain significance (1 of 4 stars; one submission).

gnomAD v4.1: 5 of 1,613,740 alleles (0.00031%); highest among the groups gnomAD compares: Admixed American, 0.005%; no homozygotes.

Submission:

Labcorp Genetics (formerly Invitae), Labcorp
Classification: Uncertain significance. Last evaluated: 2025-03-13. Review status: criteria provided, single submitter. Criteria: Invitae Variant Classification Sherloc (09022015). Collection method: clinical testing. Allele origin: germline.
Comment: This sequence change replaces glycine, which is neutral and non-polar, with valine, which is neutral and non-polar, at codon 1432 of the SETD5 protein (p.Gly1432Val). This variant is present in population databases (rs780221808, gnomAD 0.003%). This variant has not been reported in the literature in individuals affected with SETD5-related conditions. Invitae Evidence Modeling of protein sequence and biophysical properties (such as structural, functional, and spatial information, amino acid conservation, physicochemical variation, residue mobility, and thermodynamic stability) has been performed for this missense variant. However, the output from this modeling did not meet the statistical confidence thresholds required to predict the impact of this variant on SETD5 protein function. In summary, the available evidence is currently insufficient to determine the role of this variant in disease. Therefore, it has been classified as a Variant of Uncertain Significance.